The following is an entry in ClinVar:

ClinVar aggregate classification (germline): Benign (1 of 4 stars; one submission).

Conditions:
Hereditary spastic paraplegia 31. Also called: SPASTIC PARAPLEGIA 31, AUTOSOMAL DOMINANT. Identifiers: Orphanet 101011, MedGen C1853247, MONDO:0012453, OMIM 610250.

Allele frequency attached by ClinVar (database versions not stated): gnomAD 0.00244 and 0.00254; 1000 Genomes Project 0.00280; 1000 Genomes Project 30x 0.00297; TOPMed 0.00324.
gnomAD v4.1: 366 of 152,782 alleles (0.24%); highest among the groups gnomAD compares: African/African-American, 0.84%; 3 homozygotes.

Submission:

Illumina Laboratory Services, Illumina
Classification: Benign for Hereditary spastic paraplegia 31. Last evaluated: 2018-01-13. Review status: criteria provided, single submitter. Criteria: ICSL Variant Classification Criteria 13 December 2019. Collection method: clinical testing. Allele origin: germline.
Comment: This variant was observed in the ICSL laboratory as part of a predisposition screen in an ostensibly healthy population. It had not been previously curated by ICSL or reported in the Human Gene Mutation Database (HGMD: prior to June 1st, 2018), and was therefore a candidate for classification through an automated scoring system. Utilizing variant allele frequency, disease prevalence and penetrance estimates, and inheritance mode, an automated score was calculated to assess if this variant is too frequent to cause the disease. Based on the score and internal cut-off values, a variant classified as benign is not then subjected to further curation. The score for this variant resulted in a classification of benign for this disease.

NM_001371279.1(REEP1):c.*2485G>A

Gene: REEP1 (receptor accessory protein 1; minus strand). Cytogenetic location: 2p11.2.
Variant type: single nucleotide variant.
Coding change: c.*2485G>A on transcript NM_001371279.1 (MANE Select); 2485 bases downstream of the stop codon, G replaced by A.
Molecular consequence: 3 prime UTR variant.
Genome position (GRCh38, 1-based): chr2:86,214,554, C>T on the plus strand (G>A on the coding strand, the complement: REEP1 is on the minus strand). VCF-style: chr2-86214554-C-T. GRCh37 (hg19) VCF-style: chr2-86441677-C-T.
Other names: c.*2546G>A (NM_001164730.2, NM_001164731.2, NM_022912.3); c.*2485G>A (NM_001164732.2, NM_001371280.1).
Identifiers: ClinVar variation 337352 (VCV000337352.5), dbSNP rs146273697, ClinGen allele CA10616233.
Genomic context (GRCh38, chr2:86,214,554, plus strand): 5'-ACAGACTTTCCAGCTAGCATTTTGTAAACAGCCTGTGTCTGTAAGTCAGCAAATTAAAAA[C>T]ATTCAGTTGTATCCTCTAGACAGAACACCACACCACTACATGTACACTTACAGGCTTTCA-3'